The following is an entry in ClinVar:

NM_007294.4(BRCA1):c.225A>G (p.Glu75=)

Gene: BRCA1 (BRCA1 DNA repair associated; minus strand). Cytogenetic location: 17q21.31.
Variant type: single nucleotide variant.
Coding change: c.225A>G on transcript NM_007294.4 (MANE Select); coding-DNA position 225, A replaced by G.
Protein change: p.Glu75=; no amino-acid change (glutamic acid 75 retained).
Molecular consequence: synonymous variant. On other transcripts: 5 prime UTR variant (7), intron variant (2).
Genome position (GRCh38, 1-based): chr17:43,104,944, T>C on the plus strand (A>G on the coding strand, the complement: BRCA1 is on the minus strand). VCF-style: chr17-43104944-T-C. GRCh37 (hg19) VCF-style: chr17-41256961-T-C.
Other names: c.84A>G, p.Glu28= (NM_001408469.1, NM_001408470.1, NM_001408496.1 and 99 more transcripts); c.225A>G, p.Glu75= (NM_001408472.1, NM_001408473.1, NM_001408494.1 and 168 more transcripts); c.147A>G, p.Glu49= (NM_001408474.1, NM_001408475.1, NM_001408476.1 and 21 more transcripts); c.15A>G, p.Glu5= (NM_001408478.1, NM_001408479.1, NM_001408480.1 and 58 more transcripts); c.-157A>G (NM_001408510.1, NM_001408512.1, NM_001407959.1 and 4 more transcripts); c.-218-10084A>G (NM_001407967.1, NM_001407966.1); c.93A>G, p.Glu31= (NM_001408451.1).
Identifiers: ClinVar variation 867982 (VCV000867982.3), dbSNP rs2054695634, ClinGen allele CA500127676.

Conditions:
Breast-ovarian cancer, familial, susceptibility to, 1 (BROVCA1). Also called: BRCA1 Hereditary Breast and Ovarian Cancer; OVARIAN CANCER, SUSCEPTIBILITY TO. Identifiers: Orphanet 145, MedGen C2676676, MONDO:0011450, OMIM 604370. Disease mechanism: loss of function.

Submission:

Brotman Baty Institute, University of Washington
No classification provided (evidence only). Condition: Breast-ovarian cancer, familial 1. Review status: no classification provided. Collection method: in vitro. Allele origin: not applicable. Functional consequence: functionally_normal.
ClinVar note: "not provided" was previously submitted as the classification for the variant. However, the classification appeared to be based only on an observation of functional data so it was converted to no classification on 2025-07-30.